The following is an entry in ClinVar:

ClinVar aggregate classification (germline): Uncertain significance (1 of 4 stars; one submission).

gnomAD v4.1: 1 of 1,538,804 alleles (0.000065%); highest among the groups gnomAD compares: Non-Finnish European, 0.000087%; no homozygotes.

Submission:

Labcorp Genetics (formerly Invitae), Labcorp
Classification: Uncertain significance. Last evaluated: 2026-01-08. Review status: criteria provided, single submitter. Criteria: Invitae Variant Classification Sherloc (09022015). Collection method: clinical testing. Allele origin: germline.
Comment: This sequence change replaces cysteine, which is neutral and slightly polar, with glycine, which is neutral and non-polar, at codon 505 of the FCHO1 protein (p.Cys505Gly). This variant is not present in population databases (gnomAD no frequency). This variant has not been reported in the literature in individuals affected with FCHO1-related conditions. An algorithm developed to predict the effect of missense changes on protein structure and function (PolyPhen-2) suggests that this variant is likely to be tolerated. In summary, the available evidence is currently insufficient to determine the role of this variant in disease. Therefore, it has been classified as a Variant of Uncertain Significance.

NM_015122.3(FCHO1):c.1513T>G (p.Cys505Gly)

Gene: FCHO1 (FCH and mu domain containing endocytic adaptor 1; plus strand). Cytogenetic location: 19p13.11.
Variant type: single nucleotide variant.
Coding change: c.1513T>G on transcript NM_015122.3 (MANE Select); coding-DNA position 1513, T replaced by G.
Protein change: p.Cys505Gly; replaces cysteine 505 with glycine.
Molecular consequence: missense variant. On other transcripts: non-coding transcript variant (14), intron variant (11).
Genome position (GRCh38, 1-based): chr19:17,778,770, T>G. VCF-style: chr19-17778770-T-G. GRCh37 (hg19) VCF-style: chr19-17889579-T-G.
Other names: c.1513T>G, p.Cys505Gly (NM_001161357.2, NM_001161358.2, NM_001384370.1 and 13 more transcripts); c.1363T>G, p.Cys455Gly (NM_001161359.2, NM_001384384.1, NM_001384385.1 and 1 more transcripts); c.1474T>G, p.Cys492Gly (NM_001384388.1, NM_001384389.1, NM_001384405.1); c.1438T>G, p.Cys480Gly (NM_001384390.1); c.1396T>G, p.Cys466Gly (NM_001384392.1, NM_001384393.1, NM_001384394.1 and 1 more transcripts); c.1351+542T>G (NM_001384396.1, NM_001384404.1, NM_001384398.1 and 5 more transcripts); c.1201+542T>G (NM_001384406.1); c.1058-2461T>G (NM_001384407.1); and 1 more; short protein forms C455G, C505G, C480G, C466G, C492G.
Identifiers: ClinVar variation 4744281 (VCV004744281.1).